The following is an entry in ClinVar:

ClinVar aggregate classification (germline): Uncertain significance. Review status: criteria provided, multiple submitters, no conflicts (2 of 4 stars). 2 submissions from 2 submitters: Uncertain significance (2). Last evaluated 2022-10-05.

Conditions:
Hereditary cancer-predisposing syndrome. Also called: Neoplastic Syndromes, Hereditary; Hereditary Cancer Syndrome; Tumor predisposition; Hereditary neoplastic syndrome. Identifiers: Orphanet 140162, MedGen C0027672, MeSH D009386, MONDO:0015356.
Familial melanoma. Also called: Hereditary melanoma; Hereditary cutaneous melanoma. Identifiers: Orphanet 618, MedGen C1512419, MONDO:0018961.

Submissions (2):

Ambry Genetics
Classification: Uncertain significance for Hereditary cancer-predisposing syndrome. Last evaluated: 2022-10-05. Review status: criteria provided, single submitter. Criteria: Ambry Variant Classification Scheme 2023. Collection method: clinical testing. Allele origin: germline.
Comment: The p.N301S variant (also known as c.902A>G), located in coding exon 7 of the CDK4 gene, results from an A to G substitution at nucleotide position 902. The asparagine at codon 301 is replaced by serine, an amino acid with highly similar properties. This amino acid position is conserved. In addition, this alteration is predicted to be tolerated by in silico analysis. Since supporting evidence is limited at this time, the clinical significance of this alteration remains unclear.

Labcorp Genetics (formerly Invitae), Labcorp
Classification: Uncertain significance for Familial melanoma. Last evaluated: 2019-10-20. Review status: criteria provided, single submitter. Criteria: Invitae Variant Classification Sherloc (09022015). Collection method: clinical testing. Allele origin: germline.
Comment: In summary, the available evidence is currently insufficient to determine the role of this variant in disease. Therefore, it has been classified as a Variant of Uncertain Significance. Algorithms developed to predict the effect of missense changes on protein structure and function (SIFT, PolyPhen-2, Align-GVGD) all suggest that this variant is likely to be tolerated, but these predictions have not been confirmed by published functional studies and their clinical significance is uncertain. This variant has not been reported in the literature in individuals with CDK4-related conditions. This sequence change replaces asparagine with serine at codon 301 of the CDK4 protein (p.Asn301Ser). The asparagine residue is weakly conserved and there is a small physicochemical difference between asparagine and serine. This variant is not present in population databases (ExAC no frequency).

NM_000075.4(CDK4):c.902A>G (p.Asn301Ser)

Genes: TSPAN31 (tetraspanin 31; plus strand), CDK4 (cyclin dependent kinase 4; minus strand). Cytogenetic location: 12q14.1.
Variant type: single nucleotide variant.
Coding change: c.902A>G on transcript NM_000075.4 (MANE Select); coding-DNA position 902, A replaced by G.
Protein change: p.Asn301Ser; replaces asparagine 301 with serine.
Molecular consequence: missense variant. On other transcripts: 3 prime UTR variant (3).
Genome position (GRCh38, 1-based): chr12:57,748,535, T>C on the plus strand (A>G on the coding strand, the complement: CDK4 is on the minus strand). VCF-style: chr12-57748535-T-C. GRCh37 (hg19) VCF-style: chr12-58142318-T-C.
Other names: c.*1245T>C (NM_001330168.2, NM_001330169.2, NM_005981.5); short protein forms N301S.
Identifiers: ClinVar variation 968628 (VCV000968628.12), dbSNP rs1955186510, ClinGen allele CA385542173.